The following is an entry in ClinVar:

ClinVar aggregate classification (germline): Uncertain significance (1 of 4 stars; one submission).

gnomAD v4.1: 4 of 1,613,514 alleles (0.00025%); highest among the groups gnomAD compares: South Asian, 0.0022%; no homozygotes.

Submission:

Labcorp Genetics (formerly Invitae), Labcorp
Classification: Uncertain significance. Last evaluated: 2024-05-28. Review status: criteria provided, single submitter. Criteria: Invitae Variant Classification Sherloc (09022015). Collection method: clinical testing. Allele origin: germline.
Comment: This sequence change replaces arginine, which is basic and polar, with cysteine, which is neutral and slightly polar, at codon 331 of the GDF5 protein (p.Arg331Cys). This variant is present in population databases (rs750345162, gnomAD 0.006%). This variant has not been reported in the literature in individuals affected with GDF5-related conditions. Advanced modeling of protein sequence and biophysical properties (such as structural, functional, and spatial information, amino acid conservation, physicochemical variation, residue mobility, and thermodynamic stability) performed at Invitae indicates that this missense variant is expected to disrupt GDF5 protein function with a positive predictive value of 80%. In summary, the available evidence is currently insufficient to determine the role of this variant in disease. Therefore, it has been classified as a Variant of Uncertain Significance.

NM_000557.5(GDF5):c.991C>T (p.Arg331Cys)

Genes: GDF5 (growth differentiation factor 5; minus strand), GDF5-AS1 (GDF5 antisense RNA 1; plus strand). Cytogenetic location: 20q11.22.
Variant type: single nucleotide variant.
Coding change: c.991C>T on transcript NM_000557.5 (MANE Select); coding-DNA position 991, C replaced by T.
Protein change: p.Arg331Cys; replaces arginine 331 with cysteine.
Molecular consequence: missense variant. On other transcripts: non-coding transcript variant (1).
Genome position (GRCh38, 1-based): chr20:35,434,424, G>A on the plus strand (C>T on the coding strand, the complement: GDF5 is on the minus strand). VCF-style: chr20-35434424-G-A. GRCh37 (hg19) VCF-style: chr20-34022222-G-A.
Other names: c.991C>T, p.Arg331Cys (NM_001319138.2); short protein forms R331C.
Identifiers: ClinVar variation 3611533 (VCV003611533.2).